The following is an entry in ClinVar:

NM_015909.4(NBAS):c.5180A>T (p.His1727Leu)

Gene: NBAS (NBAS subunit of NRZ tethering complex; minus strand). Cytogenetic location: 2p24.3.
Variant type: single nucleotide variant.
Coding change: c.5180A>T on transcript NM_015909.4 (MANE Select); coding-DNA position 5180, A replaced by T.
Protein change: p.His1727Leu; replaces histidine 1727 with leucine.
Molecular consequence: missense variant. On other transcripts: non-coding transcript variant (1).
Genome position (GRCh38, 1-based): chr2:15,277,060, T>A on the plus strand (A>T on the coding strand, the complement: NBAS is on the minus strand). VCF-style: chr2-15277060-T-A. GRCh37 (hg19) VCF-style: chr2-15417184-T-A.
Other names: short protein forms H1727L.
Identifiers: ClinVar variation 1514591 (VCV001514591.8), dbSNP rs2148059491, ClinGen allele CA345884312.

ClinVar aggregate classification (germline): Uncertain significance (1 of 4 stars; one submission).

Submission:

Labcorp Genetics (formerly Invitae), Labcorp
Classification: Uncertain significance. Last evaluated: 2021-07-22. Review status: criteria provided, single submitter. Criteria: Invitae Variant Classification Sherloc (09022015). Collection method: clinical testing. Allele origin: germline.
Comment: In summary, the available evidence is currently insufficient to determine the role of this variant in disease. Therefore, it has been classified as a Variant of Uncertain Significance. Algorithms developed to predict the effect of missense changes on protein structure and function (SIFT, PolyPhen-2, Align-GVGD) all suggest that this variant is likely to be tolerated, but these predictions have not been confirmed by published functional studies and their clinical significance is uncertain. This variant has not been reported in the literature in individuals with NBAS-related conditions. This variant is not present in population databases (ExAC no frequency). This sequence change replaces histidine with leucine at codon 1727 of the NBAS protein (p.His1727Leu). The histidine residue is highly conserved and there is a moderate physicochemical difference between histidine and leucine.